The following is an entry in ClinVar:

NM_001572.5(IRF7):c.173G>A (p.Arg58His)

Gene: IRF7 (interferon regulatory factor 7; minus strand). Cytogenetic location: 11p15.5.
Variant type: single nucleotide variant.
Coding change: c.173G>A on transcript NM_001572.5 (MANE Select); coding-DNA position 173, G replaced by A.
Protein change: p.Arg58His; replaces arginine 58 with histidine.
Molecular consequence: missense variant.
Genome position (GRCh38, 1-based): chr11:615,107, C>T on the plus strand (G>A on the coding strand, the complement: IRF7 is on the minus strand). VCF-style: chr11-615107-C-T. GRCh37 (hg19) VCF-style: chr11-615107-C-T.
Other names: c.173G>A, p.Arg58His (NM_004029.4); c.212G>A, p.Arg71His (NM_004031.4); short protein forms R58H, R71H.
Identifiers: ClinVar variation 2727644 (VCV002727644.3), dbSNP rs766334448, ClinGen allele CA5784077.
Genomic context (GRCh38, chr11:615,107, plus strand): 5'-GTCCTAGGCGGGCTCTCCCACCCGGGGCGGGGCGGGGCTGGGGTCCCCACCTTGAAGATG[C>T]GCGCGTCGGCCTCGCTCAGGTCCTTGCGCGCGAAGTGCTTCCAGGGCACGCGGAAACAGG-3'
Protein context (NP_001563.2, residues 48-68): ARKDLSEADA[Arg58His]IFKAWAVARG

ClinVar aggregate classification (germline): Uncertain significance (1 of 4 stars; one submission).

Conditions:
Immunodeficiency 39 (IMD39). Identifiers: Orphanet 574918, MedGen C4225358, MONDO:0014597, OMIM 616345.

Allele frequency attached by ClinVar (database versions not stated): TOPMed 0.00002; gnomAD 0.00001.
gnomAD v4.1: 6 of 1,589,684 alleles (0.00038%); highest among the groups gnomAD compares: African/African-American, 0.0067%; no homozygotes.

Submission:

Labcorp Genetics (formerly Invitae), Labcorp
Classification: Uncertain significance for Immunodeficiency 39. Last evaluated: 2025-11-19. Review status: criteria provided, single submitter. Criteria: Invitae Variant Classification Sherloc (09022015). Collection method: clinical testing. Allele origin: germline.
Comment: This sequence change replaces arginine, which is basic and polar, with histidine, which is basic and polar, at codon 71 of the IRF7 protein (p.Arg71His). The frequency data for this variant in the population databases is considered unreliable, as metrics indicate poor data quality at this position in the gnomAD database. This variant has not been reported in the literature in individuals affected with IRF7-related conditions. ClinVar contains an entry for this variant (Variation ID: 2727644). Invitae Evidence Modeling of protein sequence and biophysical properties (such as structural, functional, and spatial information, amino acid conservation, physicochemical variation, residue mobility, and thermodynamic stability) indicates that this missense variant is expected to disrupt IRF7 protein function with a positive predictive value of 80%. In summary, the available evidence is currently insufficient to determine the role of this variant in disease. Therefore, it has been classified as a Variant of Uncertain Significance.